The following is an entry in ClinVar:

NM_001040108.2(MLH3):c.1650A>C (p.Gln550His)

Gene: MLH3 (mutL homolog 3; minus strand). Cytogenetic location: 14q24.3.
Variant type: single nucleotide variant.
Coding change: c.1650A>C on transcript NM_001040108.2 (MANE Select); coding-DNA position 1650, A replaced by C.
Protein change: p.Gln550His; replaces glutamine 550 with histidine.
Molecular consequence: missense variant.
Genome position (GRCh38, 1-based): chr14:75,048,006, T>G on the plus strand (A>C on the coding strand, the complement: MLH3 is on the minus strand). VCF-style: chr14-75048006-T-G. GRCh37 (hg19) VCF-style: chr14-75514709-T-G.
Other names: c.1650A>C, p.Gln550His (NM_014381.3); short protein forms Q550H.
Identifiers: ClinVar variation 3232450 (VCV003232450.1), dbSNP rs1467256402, ClinGen allele CA390444713.
Genomic context (GRCh38, chr14:75,048,006, plus strand): 5'-TGTTGTTGCAAAAGGCAGAGGCTGGCATCCCACTTCAGTAGCATCTTTAAATCTCTTTGG[T>G]TGATTCTGAATTCTATTATTTTTCAAGATGTTGGCAGCCATGCCATTAACAGTAGTACTT-3'
Protein context (NP_001035197.1, residues 540-560): NILKNNRIQN[Gln550His]PKRFKDATEV

ClinVar aggregate classification (germline): Uncertain significance (1 of 4 stars; one submission).

Submission:

Ambry Genetics
Classification: Uncertain significance. Last evaluated: 2023-09-25. Review status: criteria provided, single submitter. Criteria: Ambry Variant Classification Scheme 2023. Collection method: clinical testing. Allele origin: germline.
Comment: The p.Q550H variant (also known as c.1650A>C), located in coding exon 1 of the MLH3 gene, results from an A to C substitution at nucleotide position 1650. The glutamine at codon 550 is replaced by histidine, an amino acid with highly similar properties. This amino acid position is conserved. In addition, this alteration is predicted to be tolerated by in silico analysis. Since supporting evidence is limited at this time, the clinical significance of this alteration remains unclear.